The following is an entry in ClinVar:

NM_003477.3(PDHX):c.589C>A (p.Leu197Met)

Gene: PDHX (pyruvate dehydrogenase complex component X; plus strand). Cytogenetic location: 11p13.
Variant type: single nucleotide variant.
Coding change: c.589C>A on transcript NM_003477.3 (MANE Select); coding-DNA position 589, C replaced by A.
Protein change: p.Leu197Met; replaces leucine 197 with methionine.
Molecular consequence: missense variant. On other transcripts: intron variant (1).
Genome position (GRCh38, 1-based): chr11:34,960,466, C>A. VCF-style: chr11-34960466-C-A. GRCh37 (hg19) VCF-style: chr11-34982013-C-A.
Other names: p.L197M:CTG>ATG; p.Leu197Met; c.409C>A, p.Leu137Met (NM_001135024.2); c.342+12860C>A (NM_001166158.2); short protein forms L197M, L137M.
Identifiers: ClinVar variation 214960 (VCV000214960.20), dbSNP rs139052284, ClinGen allele CA325040.

ClinVar aggregate classification (germline): Conflicting classifications of pathogenicity. Review status: criteria provided, conflicting classifications (1 of 4 stars). 7 submissions from 7 submitters: Uncertain significance (5); Likely benign (2). Last evaluated 2026-01-07.

Conditions:
Pyruvate dehydrogenase E3-binding protein deficiency (PDHXD). Also called: PYRUVATE HYDROGENASE E3-BINDING PROTEIN DEFICIENCY; E3-Binding Protein (Component X) Deficiency; Lacticacidemia due to PDX1 deficiency; LACTIC ACIDEMIA DUE TO DEFECT IN LIPOYL-CONTAINING COMPONENT X OF THE PYRUVATE DEHYDROGENASE COMPLEX. Identifiers: Orphanet 255182, MedGen C1855553, MONDO:0009503, OMIM 245349.

Allele frequency attached by ClinVar (database versions not stated): gnomAD 0.00111; TOPMed 0.00122; ESP Exome Variant Server 0.00138; 1000 Genomes Project 0.00260; 1000 Genomes Project 30x 0.00265.
gnomAD v4.1: 357 of 1,613,510 alleles (0.022%); highest among the groups gnomAD compares: African/African-American, 0.37%; 1 homozygote.

Submissions (7):

Labcorp Genetics (formerly Invitae), Labcorp
Classification: Likely benign. Last evaluated: 2026-01-07. Review status: criteria provided, single submitter. Criteria: Invitae Variant Classification Sherloc (09022015). Collection method: clinical testing. Allele origin: germline.

Mayo Clinic Laboratories, Mayo Clinic
Classification: Uncertain significance. Last evaluated: 2024-06-13. Review status: criteria provided, single submitter. Criteria: ACMG Guidelines, 2015. Collection method: clinical testing. Allele origin: germline. Observed: 3 variant alleles.
Comment: BS1

Women's Health and Genetics/Laboratory Corporation of America, LabCorp
Classification: Likely benign. Last evaluated: 2023-09-26. Review status: criteria provided, single submitter. Criteria: LabCorp Variant Classification Summary - May 2015. Collection method: clinical testing. Allele origin: germline.
Comment: Variant summary: PDHX c.589C>A (p.Leu197Met) results in a conservative amino acid change located in the Peripheral subunit-binding domain (IPR004167) of the encoded protein sequence. Three of five in-silico tools predict a damaging effect of the variant on protein function. The variant allele was found at a frequency of 0.00043 in 251344 control chromosomes, predominantly at a frequency of 0.0051 within the African or African-American subpopulation in the gnomAD database. The observed variant frequency within African or African-American control individuals in the gnomAD database is approximately 5 fold of the estimated maximal expected allele frequency for a pathogenic variant in PDHX causing Pyruvate Dehydrogenase E3-Binding Protein Deficiency phenotype (0.0011), strongly suggesting that the variant is a benign polymorphism found primarily in populations of African or African-American origin. To our knowledge, no occurrence of c.589C>A in individuals affected with Pyruvate Dehydrogenase E3-Binding Protein Deficiency and no experimental evidence demonstrating its impact on protein function have been reported. Four submitters have cited clinical-significance assessments for this variant to ClinVar after 2014 and classified the variant as likely benign (n=1) and VUS (n=3). Based on the evidence outlined above, the variant was classified as likely benign.

Baylor Genetics
Classification: Uncertain significance for Pyruvate dehydrogenase E3-binding protein deficiency. Last evaluated: 2023-04-18. Review status: criteria provided, single submitter. Criteria: ACMG Guidelines, 2015. Collection method: clinical testing. Allele origin: unknown.

Revvity Omics, Revvity
Classification: Uncertain significance for Pyruvate dehydrogenase E3-binding protein deficiency. Last evaluated: 2022-03-09. Review status: criteria provided, single submitter. Criteria: ACMG Guidelines, 2015. Collection method: clinical testing. Allele origin: germline.

Fulgent Genetics
Classification: Uncertain significance for Pyruvate dehydrogenase E3-binding protein deficiency. Last evaluated: 2018-10-31. Review status: criteria provided, single submitter. Criteria: ACMG Guidelines, 2015. Collection method: clinical testing. Allele origin: unknown.

GeneDx
Classification: Uncertain significance. Last evaluated: 2018-04-19. Review status: criteria provided, single submitter. Criteria: GeneDx Variant Classification (06012015). Collection method: clinical testing. Allele origin: germline. Affected: yes.
Comment: The L197M missense substitution has not been published as a mutation, nor has it been reported as a benign polymorphism to our knowledge. The NHLBI ESP Exome Variant Server reports L197M was observed in 18/4404 (0.4%) alleles from individuals of African American background. The amino acid change is conservative in that both Leucine and Methionine are uncharged, non-polar amino acids. This change occurs at a position in the PDHX protein that is highly conserved in mammals. In-silico analyses are not consistent in their predictions of whether or not L197M is damaging to the PDHX protein. Therefore, based on the currently available information, it is unclear whether L197M is a disease-causing mutation or a rare benign variant.